The following is an entry in ClinVar:

NM_001754.5(RUNX1):c.968-10C>A

Gene: RUNX1 (RUNX family transcription factor 1; minus strand). Cytogenetic location: 21q22.12.
Variant type: single nucleotide variant.
Coding change: c.968-10C>A on transcript NM_001754.5 (MANE Select); 10 bases into the intron before coding-DNA position 968, C replaced by A.
Molecular consequence: intron variant.
Genome position (GRCh38, 1-based): chr21:34,792,620, G>T on the plus strand (C>A on the coding strand, the complement: RUNX1 is on the minus strand). VCF-style: chr21-34792620-G-T. GRCh37 (hg19) VCF-style: chr21-36164917-G-T.
Other names: c.887-10C>A (NM_001001890.3).
Identifiers: ClinVar variation 869208 (VCV000869208.39), dbSNP rs1476636108, ClinGen allele CA645614124.
Genomic context (GRCh38, chr21:34,792,620, plus strand): 5'-GCAGCGCGGGGAACTGGCGCGGGTCGCTGAACGCTGTCAGGTCGGGTGCCGCTGCAGGGC[G>T]GGCAAGAGAACGGAGCGGAAGTGAGTAGGAGGTTGCGGAGGCCACAGCTCTTCCCTCTGC-3'

ClinVar aggregate classification (germline): Likely pathogenic. Review status: reviewed by expert panel (3 of 4 stars). 3 submissions from 3 submitters: Likely pathogenic (1). 2 of the submissions do not count toward it. Last evaluated 2019-08-18.

Conditions:
RUNX1-related disorder. Also called: RUNX1-related condition.
Hereditary thrombocytopenia and hematological cancer predisposition syndrome associated with RUNX1. Also called: RUNX1 Familial Platelet Disorder with Associated Myeloid Malignancies; Familial thrombocytopenia with propensity to acute myelogenous leukemia; Familial Platelet Disorder with Propensity to Acute Myelogenous Leukemia; PLATELET DISORDER, ASPIRIN-LIKE. Identifiers: Orphanet 71290, MedGen C1832388, MeSH C563324, MONDO:0100083, OMIM 601399.

Submissions (3):

ClinGen Myeloid Malignancy Variant Curation Expert Panel
Classification: Likely pathogenic for Hereditary thrombocytopenia and hematologic cancer predisposition syndrome. Last evaluated: 2019-08-18. Review status: reviewed by expert panel. Criteria: ClinGen MyeloMalig ACMG Specifications v1. Collection method: curation. Allele origin: germline. Inheritance: Autosomal dominant inheritance.
Comment: The M_001754.4:c.968-10C>A variant is completely absent from all population databases with at least 20x coverage for RUNX1 (PM2). RNA studies of the proband (RT-PCR), identified missplicing associated with the germline variant leading to RNA encoding a truncated protein (p.Ala324Leufs*7) (PS3; internal laboratory data). This variant has been reported in one proband meeting at least one of the RUNX1-phenotypic criteria (PS4_ supporting; internal laboratory data). In summary, this variant meets criteria to be classified as likely pathogenic. ACMG/AMP criteria applied, as specified by the ClinGen Myeloid Malignancy Variant Curation Expert Panel for RUNX1: PS3, PM2, PS4_supporting, PS2_supporting.

PreventionGenetics, part of Exact Sciences
Classification: Likely pathogenic for RUNX1-related condition. Last evaluated: 2023-02-20. Review status: criteria provided, single submitter. Criteria: ACMG Guidelines, 2015. Collection method: clinical testing. Allele origin: germline. Not counted in ClinVar's aggregate classification.
Comment: The RUNX1 c.968-10C>A variant is predicted to interfere with splicing. This variant was reported in an individual with a personal and family history of thrombocytopenia and T-cell non-Hodgkin lymphoma. Additional family testing showed that the daughters of the proband also had this variant and had thrombocytopenia (Family 10 in Brown et al. 2020. PubMed ID: 32208489). Functional studies showed that this variant lead to aberrant splicing causing a frameshift (Figure S9, Brown et al. 2020. PubMed ID: 32208489). This variant has not been reported in a large population database, indicating this variant is rare. This variant has been interpreted as likely pathogenic in ClinVar. This variant is interpreted as likely pathogenic.

CeGaT Center for Human Genetics Tuebingen
Classification: Likely pathogenic. Last evaluated: 2020-09-01. Review status: criteria provided, single submitter. Criteria: CeGaT Center For Human Genetics Tuebingen Variant Classification Criteria Version 2. Collection method: clinical testing. Allele origin: germline. Affected: yes. Observed: 1 variant allele. Not counted in ClinVar's aggregate classification.